The following is an entry in ClinVar:

ClinVar aggregate classification (germline): Uncertain significance (1 of 4 stars; one submission).

Conditions:
Pyridoxine-dependent epilepsy (EPEO4). Also called: PYRIDOXINE DEPENDENCY WITH SEIZURES; Pyridoxine-Dependent Epilepsy - ALDH7A1; EPILEPSY, EARLY-ONSET, 4, VITAMIN B6-DEPENDENT; Pyridoxine-Dependent Seizures. Identifiers: Orphanet 3006, MedGen C1849508, MONDO:0009945, OMIM 266100. Disease mechanism: loss of function.

Allele frequency attached by ClinVar (database versions not stated): gnomAD exomes 0.00001; ExAC 0.00002.

Submission:

Labcorp Genetics (formerly Invitae), Labcorp
Classification: Uncertain significance for Pyridoxine-dependent epilepsy. Last evaluated: 2022-05-28. Review status: criteria provided, single submitter. Criteria: Invitae Variant Classification Sherloc (09022015). Collection method: clinical testing. Allele origin: germline.
Comment: In summary, the available evidence is currently insufficient to determine the role of this variant in disease. Therefore, it has been classified as a Variant of Uncertain Significance. Advanced modeling of protein sequence and biophysical properties (such as structural, functional, and spatial information, amino acid conservation, physicochemical variation, residue mobility, and thermodynamic stability) performed at Invitae indicates that this missense variant is not expected to disrupt ALDH7A1 protein function. ClinVar contains an entry for this variant (Variation ID: 935633). This variant has not been reported in the literature in individuals affected with ALDH7A1-related conditions. This variant is present in population databases (rs761013423, gnomAD 0.006%). This sequence change replaces serine, which is neutral and polar, with glycine, which is neutral and non-polar, at codon 527 of the ALDH7A1 protein (p.Ser527Gly).

NM_001182.5(ALDH7A1):c.1579A>G (p.Ser527Gly)

Gene: ALDH7A1 (aldehyde dehydrogenase 7 family member A1; minus strand). Cytogenetic location: 5q23.2.
Variant type: single nucleotide variant.
Coding change: c.1579A>G on transcript NM_001182.5 (MANE Select); coding-DNA position 1579, A replaced by G.
Protein change: p.Ser527Gly; replaces serine 527 with glycine.
Molecular consequence: missense variant.
Genome position (GRCh38, 1-based): chr5:126,545,006, T>C on the plus strand (A>G on the coding strand, the complement: ALDH7A1 is on the minus strand). VCF-style: chr5-126545006-T-C. GRCh37 (hg19) VCF-style: chr5-125880698-T-C.
Other names: c.1495A>G, p.Ser499Gly (NM_001201377.2); c.1387A>G, p.Ser463Gly (NM_001202404.2); short protein forms S463G, S499G, S527G.
Identifiers: ClinVar variation 935633 (VCV000935633.8), dbSNP rs761013423, ClinGen allele CA3389342.
Genomic context (GRCh38, chr5:126,545,006, plus strand): 5'-ATGTTCATCTAAAACACCTTTACTGAAACTTGATTCCTTGGGCCAGAGGAAGGTCTTTAC[T>C]GTAGTTGATAGTACTAGTGGGAAAAAATAACAGAATTAATGACAGTACATACATAACAGA-3'
Protein context (NP_001173.2, residues 517-537): MRRSTCTINY[Ser527Gly]KDLPLAQGIK